The following is an entry in ClinVar:

NM_005121.3(MED13):c.5127G>T (p.Gln1709His)

Gene: MED13 (mediator complex subunit 13; minus strand). Cytogenetic location: 17q23.2.
Variant type: single nucleotide variant.
Coding change: c.5127G>T on transcript NM_005121.3 (MANE Select); coding-DNA position 5127, G replaced by T.
Protein change: p.Gln1709His; replaces glutamine 1709 with histidine.
Molecular consequence: missense variant.
Genome position (GRCh38, 1-based): chr17:61,961,717, C>A on the plus strand (G>T on the coding strand, the complement: MED13 is on the minus strand). VCF-style: chr17-61961717-C-A. GRCh37 (hg19) VCF-style: chr17-60039078-C-A.
Other names: short protein forms Q1709H.
Identifiers: ClinVar variation 3363512 (VCV003363512.1).
Genomic context (GRCh38, chr17:61,961,717, plus strand): 5'-TGATGTTGGAAGTGGCCTCCGACACTGGGTAAAGGCCGAAAAAGCCAGGGATTTTAAATG[C>A]TGGGGATAGATTTCTCTATCTTCATGCTTCACAGGTTGCAACAGGTACTGACAAGGAATA-3'
Protein context (NP_005112.2, residues 1699-1719): VKHEDREIYP[Gln1709His]HLKSLAFSAF

ClinVar aggregate classification (germline): Uncertain significance (1 of 4 stars; one submission).

Submission:

GeneDx
Classification: Uncertain significance. Last evaluated: 2023-10-26. Review status: criteria provided, single submitter. Criteria: GeneDx Variant Classification Process June 2021. Collection method: clinical testing. Allele origin: germline. Affected: yes.
Comment: Not observed at significant frequency in large population cohorts (gnomAD); In silico analysis supports that this missense variant has a deleterious effect on protein structure/function; Has not been previously published as pathogenic or benign to our knowledge